The following is an entry in ClinVar:

NM_004369.4(COL6A3):c.8308G>A (p.Val2770Met)

Gene: COL6A3 (collagen type VI alpha 3 chain; minus strand). Cytogenetic location: 2q37.3.
Variant type: single nucleotide variant.
Coding change: c.8308G>A on transcript NM_004369.4 (MANE Select); coding-DNA position 8308, G replaced by A.
Protein change: p.Val2770Met; replaces valine 2770 with methionine.
Molecular consequence: missense variant.
Genome position (GRCh38, 1-based): chr2:237,340,608, C>T on the plus strand (G>A on the coding strand, the complement: COL6A3 is on the minus strand). VCF-style: chr2-237340608-C-T. GRCh37 (hg19) VCF-style: chr2-238249251-C-T.
Other names: c.6487G>A, p.Val2163Met (NM_057166.5); c.7690G>A, p.Val2564Met (NM_057167.4); short protein forms V2770M, V2564M, V2163M.
Identifiers: ClinVar variation 291079 (VCV000291079.18), dbSNP rs886044644, ClinGen allele CA10607010.

ClinVar aggregate classification (germline): Uncertain significance. Review status: criteria provided, multiple submitters, no conflicts (2 of 4 stars). 5 submissions from 5 submitters: Uncertain significance (5). Last evaluated 2025-10-06.

Conditions:
COL6A3-related disorder. Also called: COL6A3-related condition; COL6A3-related disorders.
Bethlem myopathy 1A. Also called: MYOPATHY, BENIGN CONGENITAL, WITH CONTRACTURES; Bethlem myopathy 1; Bethlem Muscular Dystrophy. Identifiers: Orphanet 610, MedGen CN029274, MONDO:0024530, OMIM 158810.

Allele frequency attached by ClinVar (database versions not stated): gnomAD exomes below 0.00001 and 0.00001; TOPMed 0.00001.
gnomAD v4.1: 9 of 1,614,206 alleles (0.00056%); highest among the groups gnomAD compares: South Asian, 0.0033%; no homozygotes.

Submissions (5):

Labcorp Genetics (formerly Invitae), Labcorp
Classification: Uncertain significance for Bethlem myopathy 1A. Last evaluated: 2025-10-06. Review status: criteria provided, single submitter. Criteria: Invitae Variant Classification Sherloc (09022015). Collection method: clinical testing. Allele origin: germline.
Comment: This sequence change replaces valine, which is neutral and non-polar, with methionine, which is neutral and non-polar, at codon 2770 of the COL6A3 protein (p.Val2770Met). This variant is present in population databases (no rsID available, gnomAD 0.0009%). This missense change has been observed in individual(s) with clinical suspicion of limb-girdle muscular dystrophy (PMID: 30564623). ClinVar contains an entry for this variant (Variation ID: 291079). Invitae Evidence Modeling of protein sequence and biophysical properties (such as structural, functional, and spatial information, amino acid conservation, physicochemical variation, residue mobility, and thermodynamic stability) indicates that this missense variant is expected to disrupt COL6A3 protein function with a positive predictive value of 80%. In summary, the available evidence is currently insufficient to determine the role of this variant in disease. Therefore, it has been classified as a Variant of Uncertain Significance.

PreventionGenetics, part of Exact Sciences
Classification: Uncertain significance for COL6A3-related condition. Last evaluated: 2025-06-17. Review status: criteria provided, single submitter. Criteria: ACMG Guidelines, 2015. Collection method: clinical testing. Allele origin: germline.
Comment: The COL6A3 c.8308G>A variant is predicted to result in the amino acid substitution p.Val2770Met. This variant has been reported in an individual with clinical suspicion of limb-girdle muscular dystrophy (Nallamilli et al. 2018. PubMed ID: 30564623). This variant is reported in 0.00088% of alleles in individuals of European (Non-Finnish) descent in gnomAD. At this time, the clinical significance of this variant is uncertain due to the absence of conclusive functional and genetic evidence.

Revvity Omics, Revvity
Classification: Uncertain significance. Last evaluated: 2023-11-27. Review status: criteria provided, single submitter. Criteria: ACMG Guidelines, 2015. Collection method: clinical testing. Allele origin: germline.

GeneDx
Classification: Uncertain significance. Last evaluated: 2022-08-04. Review status: criteria provided, single submitter. Criteria: GeneDx Variant Classification Process June 2021. Collection method: clinical testing. Allele origin: germline. Affected: yes.
Comment: Identified as a single heterozygous variant in one individual with clinically suspected limb girdle muscular dystrophy, but no additional phenotypic or segregation information was available (Nallamilli et al., 2018); Not observed at significant frequency in large population cohorts (gnomAD); In silico analysis, which includes protein predictors and evolutionary conservation, supports that this variant does not alter protein structure/function; This variant is associated with the following publications: (PMID: 30564623)

Eurofins Ntd Llc (ga)
Classification: Uncertain significance. Last evaluated: 2017-05-25. Review status: criteria provided, single submitter. Criteria: EGL Classification Definitions 2015. Collection method: clinical testing. Allele origin: germline. Observed: 3 variant alleles, 3 heterozygotes.

Literature cited by the submitters: PubMed 30564623 (cited by Labcorp Genetics (formerly Invitae), Labcorp).